The following is an entry in ClinVar:

ClinVar aggregate classification (germline): Uncertain significance (1 of 4 stars; one submission).

Submission:

Women's Health and Genetics/Laboratory Corporation of America, LabCorp
Classification: Uncertain significance. Last evaluated: 2022-06-03. Review status: criteria provided, single submitter. Criteria: LabCorp Variant Classification Summary - May 2015. Collection method: clinical testing. Allele origin: germline.
Comment: Variant summary: SLC9A7 c.1747G>A (p.Asp583Asn) results in a conservative amino acid change in the encoded protein sequence. Five of five in-silico tools predict a benign effect of the variant on protein function. The variant was absent in 173364 control chromosomes. The available data on variant occurrences in the general population are insufficient to allow any conclusion about variant significance. To our knowledge, no occurrence of c.1747G>A in individuals affected with Intellectual Developmental Disorder, X-Linked 108 and no experimental evidence demonstrating its impact on protein function have been reported. No clinical diagnostic laboratories have submitted clinical-significance assessments for this variant to ClinVar after 2014. Based on the evidence outlined above, the variant was classified as uncertain significance.

NM_001257291.2(SLC9A7):c.1750G>A (p.Asp584Asn)

Gene: SLC9A7 (solute carrier family 9 member A7; minus strand). Cytogenetic location: Xp11.3.
Variant type: single nucleotide variant.
Coding change: c.1750G>A on transcript NM_001257291.2 (MANE Select); coding-DNA position 1750, G replaced by A.
Protein change: p.Asp584Asn; replaces aspartic acid 584 with asparagine.
Molecular consequence: missense variant.
Genome position (GRCh38, 1-based): chrX:46,621,050, C>T on the plus strand (G>A on the coding strand, the complement: SLC9A7 is on the minus strand). VCF-style: chrX-46621050-C-T. GRCh37 (hg19) VCF-style: chrX-46480485-C-T.
Other names: c.1747G>A, p.Asp583Asn (NM_032591.3); short protein forms D583N, D584N.
Identifiers: ClinVar variation 1698476 (VCV001698476.1), dbSNP rs2146699107, ClinGen allele CA413034138.
Genomic context (GRCh38, chrX:46,621,050, plus strand): 5'-TGTACCACAGCCTGAATATCCATGCGCTCTCCTGTTTTGTCCGGTTTCCTCTGGCAGAAT[C>T]TGGGCCGTCCTAGGAACAAACAAGAGGGCACATGCTTAGTTGTACAAAAGGGATCTCAAA-3'
Protein context (NP_001244220.1, residues 574-594): SFQVLQGDGP[Asp584Asn]SARGNRTKQE